The following is an entry in ClinVar:

ClinVar aggregate classification (germline): Uncertain significance (1 of 4 stars; one submission).

Allele frequency attached by ClinVar (database versions not stated): TOPMed below 0.00001; gnomAD 0.00001; gnomAD exomes 0.00001.
gnomAD v4.1: 4 of 1,614,112 alleles (0.00025%); highest among the groups gnomAD compares: Non-Finnish European, 0.00034%; no homozygotes.

Submission:

CeGaT Center for Human Genetics Tuebingen
Classification: Uncertain significance. Last evaluated: 2024-06-01. Review status: criteria provided, single submitter. Criteria: CeGaT Center For Human Genetics Tuebingen Variant Classification Criteria Version 2. Collection method: clinical testing. Allele origin: germline. Affected: yes. Observed: 1 variant allele.
Comment: PCK2: PM2, BP4

NM_004563.4(PCK2):c.1612G>A (p.Asp538Asn)

Genes: PCK2 (phosphoenolpyruvate carboxykinase 2, mitochondrial; plus strand), NRL (neural retina leucine zipper; minus strand). Cytogenetic location: 14q12.
Variant type: single nucleotide variant.
Coding change: c.1612G>A on transcript NM_004563.4 (MANE Select); coding-DNA position 1612, G replaced by A.
Protein change: p.Asp538Asn; replaces aspartic acid 538 with asparagine.
Molecular consequence: missense variant. On other transcripts: intron variant (3).
Genome position (GRCh38, 1-based): chr14:24,103,653, G>A. VCF-style: chr14-24103653-G-A. GRCh37 (hg19) VCF-style: chr14-24572862-G-A.
Other names: c.1210G>A, p.Asp404Asn (NM_001291556.2, NM_001308054.2); c.-28+11069C>T (NM_001354768.3, NM_001354770.2); c.-254+11069C>T (NM_006177.5); short protein forms D404N, D538N.
Identifiers: ClinVar variation 3251214 (VCV003251214.18), dbSNP rs1391686524.